The following is an entry in ClinVar:

NM_000942.5(PPIB):c.399C>T (p.Tyr133=)

Genes: PPIB (peptidylprolyl isomerase B; minus strand), SNX22 (sorting nexin 22; plus strand). Cytogenetic location: 15q22.31.
Variant type: single nucleotide variant.
Coding change: c.399C>T on transcript NM_000942.5 (MANE Select); coding-DNA position 399, C replaced by T.
Protein change: p.Tyr133=; no amino-acid change (tyrosine 133 retained).
Molecular consequence: synonymous variant. On other transcripts: 3 prime UTR variant (1), non-coding transcript variant (1).
Genome position (GRCh38, 1-based): chr15:64,156,854, G>A on the plus strand (C>T on the coding strand, the complement: PPIB is on the minus strand). VCF-style: chr15-64156854-G-A. GRCh37 (hg19) VCF-style: chr15-64449053-G-A.
Other names: c.*2346G>A (NM_024798.3).
Identifiers: ClinVar variation 4280822 (VCV004280822.7).

ClinVar aggregate classification (germline): Likely benign (1 of 4 stars; one submission).

gnomAD v4.1: 27 of 1,614,070 alleles (0.0017%); highest among the groups gnomAD compares: Non-Finnish European, 0.0018%; no homozygotes.

Submission:

CeGaT Center for Human Genetics Tuebingen
Classification: Likely benign. Last evaluated: 2025-09-01. Review status: criteria provided, single submitter. Criteria: CeGaT Center For Human Genetics Tuebingen Variant Classification Criteria Version 2. Collection method: clinical testing. Allele origin: germline. Affected: yes. Observed: 1 variant allele.
Comment: PPIB: BP4, BP7